The following is an entry in ClinVar:

NM_001291303.3(FAT4):c.4318A>G (p.Ile1440Val)

Gene: FAT4 (FAT atypical cadherin 4; plus strand). Cytogenetic location: 4q28.1.
Variant type: single nucleotide variant.
Coding change: c.4318A>G on transcript NM_001291303.3 (MANE Select); coding-DNA position 4318, A replaced by G.
Protein change: p.Ile1440Val; replaces isoleucine 1440 with valine.
Molecular consequence: missense variant.
Genome position (GRCh38, 1-based): chr4:125,320,729, A>G. VCF-style: chr4-125320729-A-G. GRCh37 (hg19) VCF-style: chr4-126241884-A-G.
Other names: c.4318A>G, p.Ile1440Val (NM_001291285.3, NM_024582.6); c.4318A>G (NM_024582.4); short protein forms I1440V.
Identifiers: ClinVar variation 1411707 (VCV001411707.6), dbSNP rs376480835, ClinGen allele CA3072449.

ClinVar aggregate classification (germline): Uncertain significance. Review status: criteria provided, multiple submitters, no conflicts (2 of 4 stars). 2 submissions from 2 submitters: Uncertain significance (2). Last evaluated 2023-12-15.

Conditions:
Inborn genetic diseases. Identifiers: MedGen C0950123, MeSH D030342.

Allele frequency attached by ClinVar (database versions not stated): ExAC 0.00001; gnomAD 0.00001; gnomAD exomes 0.00002 and 0.00004; TOPMed 0.00003; ESP Exome Variant Server 0.00008.
gnomAD v4.1: 62 of 1,614,052 alleles (0.0038%); highest among the groups gnomAD compares: Non-Finnish European, 0.005%; no homozygotes.

Submissions (2):

Ambry Genetics
Classification: Uncertain significance for Inborn genetic diseases. Last evaluated: 2023-12-15. Review status: criteria provided, single submitter. Criteria: Ambry Variant Classification Scheme 2023. Collection method: clinical testing. Allele origin: germline.

Labcorp Genetics (formerly Invitae), Labcorp
Classification: Uncertain significance. Last evaluated: 2023-06-06. Review status: criteria provided, single submitter. Criteria: Invitae Variant Classification Sherloc (09022015). Collection method: clinical testing. Allele origin: germline.
Comment: This sequence change replaces isoleucine, which is neutral and non-polar, with valine, which is neutral and non-polar, at codon 1440 of the FAT4 protein (p.Ile1440Val). This variant is present in population databases (rs376480835, gnomAD 0.004%). This variant has not been reported in the literature in individuals affected with FAT4-related conditions. ClinVar contains an entry for this variant (Variation ID: 1411707). Advanced modeling of protein sequence and biophysical properties (such as structural, functional, and spatial information, amino acid conservation, physicochemical variation, residue mobility, and thermodynamic stability) performed at Invitae indicates that this missense variant is not expected to disrupt FAT4 protein function. In summary, the available evidence is currently insufficient to determine the role of this variant in disease. Therefore, it has been classified as a Variant of Uncertain Significance.